The following is an entry in ClinVar:

NM_001165963.4(SCN1A):c.3706-1G>A

Genes: SCN1A (sodium voltage-gated channel alpha subunit 1; minus strand), LOC102724058 (uncharacterized LOC102724058; plus strand). Cytogenetic location: 2q24.3.
Variant type: single nucleotide variant.
Coding change: c.3706-1G>A on transcript NM_001165963.4 (MANE Select); the canonical splice acceptor site of the intron before coding-DNA position 3706, G replaced by A.
Molecular consequence: splice acceptor variant.
Genome position (GRCh38, 1-based): chr2:166,012,283, C>T on the plus strand (G>A on the coding strand, the complement: SCN1A is on the minus strand). VCF-style: chr2-166012283-C-T. GRCh37 (hg19) VCF-style: chr2-166868793-C-T.
Other names: c.3673-1G>A (NM_001353949.2, NM_001353950.2, NM_001353951.2 and 2 more transcripts); c.3622-1G>A (NM_001353958.2, NM_001353957.2, NM_001165964.3); c.3706-1G>A (NM_001202435.3, NM_001353948.2); c.3670-1G>A (NM_001353955.2, NM_001353954.2); c.3619-1G>A (NM_001353960.2); c.1264-1G>A (NM_001353961.2).
Identifiers: ClinVar variation 1734141 (VCV001734141.2), dbSNP rs1692586014, ClinGen allele CA349054709.
Genomic context (GRCh38, chr2:166,012,283, plus strand): 5'-AGCATATTCCAACATCGTCTTAATCGTCTTTCGCTGATCAATATATATATCTTCAAATGC[C>T]TATAAAGAAAATGTTACACATTATTAGCTTTCAAAAATAATTATACTCCATAAGCTATTT-3'

ClinVar aggregate classification (germline): Pathogenic (1 of 4 stars; one submission).

Conditions:
Inborn genetic diseases. Identifiers: MedGen C0950123, MeSH D030342.

Submission:

Ambry Genetics
Classification: Pathogenic for Inborn genetic diseases. Last evaluated: 2018-09-27. Review status: criteria provided, single submitter. Criteria: Ambry Variant Classification Scheme 2023. Collection method: clinical testing. Allele origin: germline.
Comment: The c.3706-1G>A intronic variant results from a G to A substitution one nucleotide upstream from coding exon 19 of the SCN1A gene. This alteration has been detected twice in individuals with severe myoclonic epilepsy of infancy (SMEI): one of which was a de novo occurrence (Hz-Kurul S et al. Turk. J. Pediatr., 2017;59:570-575; Mancardi MM et al. Epilepsia, 2006 Oct;47:1629-35). In addition to the clinical data presented in the literature, alterations that disrupt the canonical splice site are expected to cause aberrant splicing, resulting in an abnormal protein or a transcript that is subject to nonsense-mediated mRNA decay. As such, this alteration is classified as a disease-causing mutation.

Literature cited by the submitters: PubMed 17054684; PubMed 29408779; PubMed 29745119.